The following is an entry in ClinVar:

ClinVar aggregate classification (germline): Likely benign (1 of 4 stars; one submission).

Conditions:
PKD1-related disorder. Also called: PKD1-related condition.

gnomAD v4.1: 119 of 1,586,912 alleles (0.0075%); highest among the groups gnomAD compares: Non-Finnish European, 0.0089%; no homozygotes.

Submission:

PreventionGenetics, part of Exact Sciences
Classification: Likely benign for PKD1-related condition. Last evaluated: 2025-06-25. Review status: criteria provided, single submitter. Criteria: ACMG Guidelines, 2015. Collection method: clinical testing. Allele origin: germline.
Comment: This variant is classified as likely benign based on ACMG/AMP sequence variant interpretation guidelines (Richards et al. 2015 PMID: 25741868, with internal and published modifications).

NM_001009944.3(PKD1):c.3267C>T (p.His1089=)

Gene: PKD1 (polycystin 1, transient receptor potential channel interacting; minus strand). Cytogenetic location: 16p13.3.
Variant type: single nucleotide variant.
Coding change: c.3267C>T on transcript NM_001009944.3 (MANE Select); coding-DNA position 3267, C replaced by T.
Protein change: p.His1089=; no amino-acid change (histidine 1089 retained).
Molecular consequence: synonymous variant.
Genome position (GRCh38, 1-based): chr16:2,112,368, G>A on the plus strand (C>T on the coding strand, the complement: PKD1 is on the minus strand). VCF-style: chr16-2112368-G-A. GRCh37 (hg19) VCF-style: chr16-2162369-G-A.
Other names: c.3267C>T, p.His1089= (NM_000296.4).
Identifiers: ClinVar variation 4977678 (VCV004977678.1).
Genomic context (GRCh38, chr16:2,112,368, plus strand): 5'-GGCAGTGGCCCCCTCACCCCCTCATCCCTCACCTGGGGCAGCGTAGGTGTGCATGACATT[G>A]TGCTCCACCAGCACCTGGGCCACCGAGGGGTCTGGAACCGGGAAGGACTCGTTGTACGGA-3'
Protein context (NP_001009944.3, residues 1079-1099): DPSVAQVLVE[His1089=]NVMHTYAAPG